The following is an entry in ClinVar:

NM_018699.4(PRDM5):c.123G>T (p.Glu41Asp)

Gene: PRDM5 (PR/SET domain 5; minus strand). Cytogenetic location: 4q27.
Variant type: single nucleotide variant.
Coding change: c.123G>T on transcript NM_018699.4 (MANE Select); coding-DNA position 123, G replaced by T.
Protein change: p.Glu41Asp; replaces glutamic acid 41 with aspartic acid.
Molecular consequence: missense variant.
Genome position (GRCh38, 1-based): chr4:120,907,528, C>A on the plus strand (G>T on the coding strand, the complement: PRDM5 is on the minus strand). VCF-style: chr4-120907528-C-A. GRCh37 (hg19) VCF-style: chr4-121828683-C-A.
Other names: c.123G>T, p.Glu41Asp (NM_001300823.2, NM_001300824.2, NM_001379104.1 and 1 more transcripts); short protein forms E41D.
Identifiers: ClinVar variation 2135152 (VCV002135152.4), dbSNP rs2479624037, ClinGen allele CA358209647.
Genomic context (GRCh38, chr4:120,907,528, plus strand): 5'-CCTCACCTCCCACATCAACCTGTAATCCATATTTTCATCCAAGTCTTCAGGCATTCTCTT[C>A]TCTCCAGCAAAGGGTCCGAACTTTTCACCCTGAGTAGCAATGATTATATTGAACAAGGAT-3'
Protein context (NP_061169.2, residues 31-51): KGEKFGPFAG[Glu41Asp]KRMPEDLDEN

ClinVar aggregate classification (germline): Uncertain significance (1 of 4 stars; one submission).

Submission:

Labcorp Genetics (formerly Invitae), Labcorp
Classification: Uncertain significance. Last evaluated: 2022-05-07. Review status: criteria provided, single submitter. Criteria: Invitae Variant Classification Sherloc (09022015). Collection method: clinical testing. Allele origin: germline.
Comment: In summary, the available evidence is currently insufficient to determine the role of this variant in disease. Therefore, it has been classified as a Variant of Uncertain Significance. Algorithms developed to predict the effect of missense changes on protein structure and function are either unavailable or do not agree on the potential impact of this missense change (SIFT: "Deleterious"; PolyPhen-2: "Probably Damaging"; Align-GVGD: "Class C0"). This variant has not been reported in the literature in individuals affected with PRDM5-related conditions. This variant is not present in population databases (gnomAD no frequency). This sequence change replaces glutamic acid, which is acidic and polar, with aspartic acid, which is acidic and polar, at codon 41 of the PRDM5 protein (p.Glu41Asp).